The following is an entry in ClinVar:

NM_001387220.1(IKZF2):c.211A>C (p.Ile71Leu)

Gene: IKZF2 (IKAROS family zinc finger 2; minus strand). Cytogenetic location: 2q34.
Variant type: single nucleotide variant.
Coding change: c.211A>C on transcript NM_001387220.1 (MANE Select); coding-DNA position 211, A replaced by C.
Protein change: p.Ile71Leu; replaces isoleucine 71 with leucine.
Molecular consequence: missense variant.
Genome position (GRCh38, 1-based): chr2:213,057,028, T>G on the plus strand (A>C on the coding strand, the complement: IKZF2 is on the minus strand). VCF-style: chr2-213057028-T-G. GRCh37 (hg19) VCF-style: chr2-213921752-T-G.
Other names: c.211A>C, p.Ile71Leu (NM_001079526.2, NM_001371274.1, NM_001371275.1 and 2 more transcripts); c.208A>C, p.Ile70Leu (NM_001371277.1); short protein forms I70L, I71L.
Identifiers: ClinVar variation 4981423 (VCV004981423.1).

ClinVar aggregate classification (germline): Uncertain significance (1 of 4 stars; one submission).

Conditions:
IKZF2-related condition.

gnomAD v4.1: 40 of 1,613,750 alleles (0.0025%); highest among the groups gnomAD compares: Non-Finnish European, 0.0031%; no homozygotes.

Submission:

PreventionGenetics, part of Exact Sciences
Classification: Uncertain significance for IKZF2-related condition. Last evaluated: 2026-05-08. Review status: criteria provided, single submitter. Criteria: ACMG Guidelines, 2015. Collection method: clinical testing. Allele origin: germline.
Comment: The IKZF2 c.211A>C variant is predicted to result in the amino acid substitution p.Ile71Leu. To our knowledge, this variant has not been reported in the literature. This variant is reported in 0.0062% of alleles in individuals of European (Non-Finnish) descent in gnomAD. At this time, the clinical significance of this variant is uncertain due to the absence of conclusive functional and genetic evidence.